The following is an entry in ClinVar:

ClinVar aggregate classification (germline): Pathogenic. Review status: criteria provided, multiple submitters, no conflicts (2 of 4 stars). 11 submissions from 11 submitters: Pathogenic (9). 2 of the submissions do not count toward it. Last evaluated 2025-12-17.

Conditions:
MSH6-related disorder. Also called: MSH6-related condition; MSH6-Related disorders.
Hereditary cancer-predisposing syndrome. Also called: Tumor predisposition; Hereditary Cancer Syndrome; Hereditary neoplastic syndrome; Neoplastic Syndromes, Hereditary. Identifiers: Orphanet 140162, MedGen C0027672, MeSH D009386, MONDO:0015356.
Hereditary nonpolyposis colorectal neoplasms. Identifiers: MedGen C0009405, MeSH D003123.
Lynch syndrome. Identifiers: Orphanet 144, MedGen C4552100, MONDO:0005835. Disease mechanism: loss of function.
Lynch syndrome 5 (LYNCH5). Also called: Colorectal cancer, hereditary nonpolyposis, type 5; Hereditary non-polyposis colorectal cancer, type 5. Identifiers: Orphanet 144, MedGen C1833477, MONDO:0013710, OMIM 614350. Disease mechanism: loss of function.

Submissions (11):

Labcorp Genetics (formerly Invitae), Labcorp
Classification: Pathogenic for Hereditary nonpolyposis colorectal neoplasms. Last evaluated: 2025-12-17. Review status: criteria provided, single submitter. Criteria: Invitae Variant Classification Sherloc (09022015). Collection method: clinical testing. Allele origin: germline.
Comment: This sequence change creates a premature translational stop signal (p.Ser602*) in the MSH6 gene. It is expected to result in an absent or disrupted protein product. Loss-of-function variants in MSH6 are known to be pathogenic (PMID: 18269114, 24362816). This variant is not present in population databases (gnomAD no frequency). This premature translational stop signal has been observed in individual(s) with cancers associated with Lynch syndrome and renal cancer and a neuroectodermal tumor (PMID: 26681312; internal data). It has also been observed to segregate with disease in related individuals. Invitae Evidence Modeling of clinical and family history, age, sex, and reported ancestry of multiple individuals with this MSH6 variant has been performed. This variant is expected to be pathogenic with a positive predictive value of at least 99%. This is a validated machine learning model that incorporates the clinical features of 1,627,235 individuals referred to our laboratory for MSH6 testing. ClinVar contains an entry for this variant (Variation ID: 182659). For these reasons, this variant has been classified as Pathogenic.

Ambry Genetics
Classification: Pathogenic for Hereditary cancer-predisposing syndrome. Last evaluated: 2025-07-17. Review status: criteria provided, single submitter. Criteria: Ambry Variant Classification Scheme 2023. Collection method: clinical testing. Allele origin: germline.
Comment: The p.S602* pathogenic mutation (also known as c.1805C>G), located in coding exon 4 of the MSH6 gene, results from a C to G substitution at nucleotide position 1805. This changes the amino acid from a serine to a stop codon within coding exon 4. This variant was reported in 1/10030 individuals undergoing hereditary cancer panel testing through a clinical laboratory (Susswein LR et al. Genet. Med., 2016 Aug;18:823-32). This variant is considered to be rare based on population cohorts in the Genome Aggregation Database (gnomAD). This alteration is expected to result in loss of function by premature protein truncation or nonsense-mediated mRNA decay. As such, this alteration is interpreted as a disease-causing mutation.

Color Diagnostics, LLC DBA Color Health
Classification: Pathogenic for Hereditary cancer-predisposing syndrome. Last evaluated: 2025-06-09. Review status: criteria provided, single submitter. Criteria: ACMG Guidelines, 2015. Collection method: clinical testing. Allele origin: germline.
Comment: This variant changes 1 nucleotide in exon 4 of the MSH6 gene, creating a premature translation stop signal. This variant is expected to result in an absent or non-functional protein product. This variant has been reported in an individual with renal sarcoma and primitive neuroectodermal tumor (PMID: 26681312). This variant has not been identified in the general population by the Genome Aggregation Database (gnomAD). Loss of MSH6 function is a known mechanism of disease. Based on the available evidence, this variant is classified as Pathogenic.

Myriad Genetics, Inc.
Classification: Pathogenic for Lynch syndrome 5. Last evaluated: 2023-03-28. Review status: criteria provided, single submitter. Criteria: Myriad Autosomal Dominant, Autosomal Recessive and X-Linked Classification Criteria (2023). Collection method: clinical testing. Allele origin: unknown.
Comment: This variant is considered pathogenic. This variant creates a termination codon and is predicted to result in premature protein truncation.

Revvity Omics, Revvity
Classification: Pathogenic. Last evaluated: 2022-05-26. Review status: criteria provided, single submitter. Criteria: ACMG Guidelines, 2015. Collection method: clinical testing. Allele origin: germline.

GeneDx
Classification: Pathogenic. Last evaluated: 2021-05-19. Review status: criteria provided, single submitter. Criteria: GeneDx Variant Classification Process June 2021. Collection method: clinical testing. Allele origin: germline. Affected: yes.
Comment: Nonsense variant predicted to result in protein truncation or nonsense mediated decay in a gene for which loss-of-function is a known mechanism of disease; Not observed in large population cohorts (Lek 2016); Truncating variants in this gene are considered pathogenic by a well-established clinical consortium and/or database; Observed in a patient with multiple cancers including renal cancer (Susswein 2016); This variant is associated with the following publications: (PMID: 31447099, 26681312)

Quest Diagnostics Nichols Institute San Juan Capistrano
Classification: Pathogenic. Last evaluated: 2020-07-21. Review status: criteria provided, single submitter. Criteria: Quest Diagnostics criteria. Collection method: clinical testing. Allele origin: unknown.
Comment: The variant results in a shift of the reading frame, and is therefore predicted to result in the loss of a functional protein. Found in at least one patient with expected phenotype for this gene, and not found in general population data.

Women's Health and Genetics/Laboratory Corporation of America, LabCorp
Classification: Pathogenic for Lynch syndrome. Last evaluated: 2020-02-07. Review status: criteria provided, single submitter. Criteria: LabCorp Variant Classification Summary - May 2015. Collection method: clinical testing. Allele origin: germline.
Comment: Variant summary: MSH6 c.1805C>G (p.Ser602X) results in a premature termination codon, predicted to cause a truncation of the encoded protein or absence of the protein due to nonsense mediated decay, which are commonly known mechanisms for disease. Truncations downstream of this position have been classified as pathogenic by our laboratory. The variant was absent in 250434 control chromosomes. c.1805C>G has been reported in the literature as a pathogenic variant in at-least one individual referred for genetic testing due to a reported clinical history of renal, sarcoma, and primitive neuroectodermal tumor (Susswein_2016). To our knowledge, no experimental evidence demonstrating an impact on protein function has been reported. Five clinical diagnostic laboratories have submitted clinical-significance assessments for this variant to ClinVar after 2014 without evidence for independent evaluation. All laboratories classified the variant as pathogenic some citing overlapping evidence utilized in the context of this evaluation. Based on the evidence outlined above, the variant was classified as pathogenic.

Laboratory for Molecular Medicine, Mass General Brigham Personalized Medicine
Classification: Pathogenic for Lynch syndrome. Last evaluated: 2016-11-09. Review status: criteria provided, single submitter. Criteria: LMM Criteria. Collection method: clinical testing. Allele origin: germline. Inheritance: Autosomal dominant inheritance. Observed: 1 variant allele.
Comment: The p.Ser602X variant in MSH6 has not been previously reported in individuals wi th Lynch Syndrome and was absent from large population studies. This nonsense va riant leads to a premature termination codon at position 602 which is predicted to lead to a truncated or absent protein. Heterozygous loss of function of the M SH6 gene is an established disease mechanism in Lynch Syndrome. In summary, this variant meets criteria to be classified as pathogenic for Lynch Syndrome in an autosomal dominant manner based upon the predicted impact to the protein.

PreventionGenetics, part of Exact Sciences
Classification: Pathogenic for MSH6-related condition. Last evaluated: 2024-07-15. Review status: no assertion criteria provided. Collection method: clinical testing. Allele origin: germline. Not counted in ClinVar's aggregate classification.
Comment: The MSH6 c.1805C>G variant is predicted to result in premature protein termination (p.Ser602*). This variant has been reported in a cancer cohort (Table S1, Susswein et al. 2016. PubMed ID: 26681312) and in the eMERGE III network (eMERGE Consortium. 2019. PubMed ID: 31447099). To our knowledge, this variant has not been reported in a large population database, indicating this variant is rare. This variant is interpreted as pathogenic in ClinVar. Nonsense variants in MSH6 are expected to be pathogenic. This variant is interpreted as pathogenic.

Counsyl
Classification: Pathogenic for Lynch syndrome 5. Last evaluated: 2016-03-16. Review status: no assertion criteria provided. Collection method: clinical testing. Allele origin: unknown. Not counted in ClinVar's aggregate classification.

Literature cited by the submitters: PubMed 18269114 (cited by Labcorp Genetics (formerly Invitae), Labcorp); PubMed 24362816 (cited by Labcorp Genetics (formerly Invitae), Labcorp); PubMed 26681312 (cited by 6 submitters).

NM_000179.3(MSH6):c.1805C>G (p.Ser602Ter)

Gene: MSH6 (mutS homolog 6; plus strand). Cytogenetic location: 2p16.3.
Variant type: single nucleotide variant.
Coding change: c.1805C>G on transcript NM_000179.3 (MANE Select); coding-DNA position 1805, C replaced by G.
Protein change: p.Ser602Ter; replaces serine 602 with a stop codon.
Molecular consequence: nonsense.
Genome position (GRCh38, 1-based): chr2:47,799,788, C>G. VCF-style: chr2-47799788-C-G. GRCh37 (hg19) VCF-style: chr2-48026927-C-G.
Other names: p.S602*:TCA>TGA; c.1415C>G, p.Ser472Ter (NM_001281492.2); c.899C>G, p.Ser300Ter (NM_001281493.2, NM_001281494.2); short protein forms S602*, S300*, S472*.
Identifiers: ClinVar variation 182659 (VCV000182659.29), dbSNP rs730881816, ClinGen allele CA009231.